The following is an entry in ClinVar:

NM_003072.5(SMARCA4):c.742A>G (p.Asn248Asp)

Gene: SMARCA4 (SWI/SNF related BAF chromatin remodeling complex subunit ATPase 4; plus strand). Cytogenetic location: 19p13.2.
Variant type: single nucleotide variant.
Coding change: c.742A>G on transcript NM_003072.5 (MANE Select); coding-DNA position 742, A replaced by G.
Protein change: p.Asn248Asp; replaces asparagine 248 with aspartic acid.
Molecular consequence: missense variant. On other transcripts: non-coding transcript variant (1).
Genome position (GRCh38, 1-based): chr19:10,986,575, A>G. VCF-style: chr19-10986575-A-G. GRCh37 (hg19) VCF-style: chr19-11097251-A-G.
Other names: c.742A>G, p.Asn248Asp (NM_001128844.3, NM_001128845.2, NM_001128846.2 and 5 more transcripts); short protein forms N248D.
Identifiers: ClinVar variation 646073 (VCV000646073.12), dbSNP rs1599953506, ClinGen allele CA404057264.

ClinVar aggregate classification (germline): Uncertain significance. Review status: criteria provided, multiple submitters, no conflicts (2 of 4 stars). 2 submissions from 2 submitters: Uncertain significance (2). Last evaluated 2024-11-14.

Conditions:
Rhabdoid tumor predisposition syndrome 2 (RTPS2). Identifiers: Orphanet 231108, Orphanet 69077, MedGen C2750074, MONDO:0013224, OMIM 613325.
Hereditary cancer-predisposing syndrome. Also called: Hereditary Cancer Syndrome; Tumor predisposition; Hereditary neoplastic syndrome; Neoplastic Syndromes, Hereditary. Identifiers: Orphanet 140162, MedGen C0027672, MeSH D009386, MONDO:0015356.

Allele frequency attached by ClinVar (database versions not stated): TOPMed 0.00001; 1000 Genomes Project 30x 0.00016.

Submissions (2):

Ambry Genetics
Classification: Uncertain significance for Hereditary cancer-predisposing syndrome. Last evaluated: 2024-11-14. Review status: criteria provided, single submitter. Criteria: Ambry Variant Classification Scheme 2023. Collection method: clinical testing. Allele origin: germline.
Comment: The p.N248D variant (also known as c.742A>G), located in coding exon 3 of the SMARCA4 gene, results from an A to G substitution at nucleotide position 742. The asparagine at codon 248 is replaced by aspartic acid, an amino acid with highly similar properties. This amino acid position is well conserved in available vertebrate species. In addition, this alteration is predicted to be tolerated by in silico analysis. Missense and in-frame variants in SMARCA4 are known to cause neurodevelopmental disorders; however, such associations with rhabdoid tumor predisposition syndrome including small cell carcinoma of the ovary-hypercalcemic type (SCCOHT) are exceedingly rare (Kosho T et al. Am J Med Genet C Semin Med Genet. 2014 Sep;166C(3):262-75; Jelinic P et al. Nat Genet. 2014 May;46(5):424-6). Since supporting evidence is limited at this time, the clinical significance of this alteration remains unclear.

Labcorp Genetics (formerly Invitae), Labcorp
Classification: Uncertain significance for Rhabdoid tumor predisposition syndrome 2. Last evaluated: 2022-02-22. Review status: criteria provided, single submitter. Criteria: Invitae Variant Classification Sherloc (09022015). Collection method: clinical testing. Allele origin: germline.
Comment: This sequence change replaces asparagine, which is neutral and polar, with aspartic acid, which is acidic and polar, at codon 248 of the SMARCA4 protein (p.Asn248Asp). This variant is not present in population databases (gnomAD no frequency). In summary, the available evidence is currently insufficient to determine the role of this variant in disease. Therefore, it has been classified as a Variant of Uncertain Significance. Algorithms developed to predict the effect of sequence changes on RNA splicing suggest that this variant may create or strengthen a splice site. Algorithms developed to predict the effect of missense changes on protein structure and function (SIFT, PolyPhen-2, Align-GVGD) all suggest that this variant is likely to be tolerated. ClinVar contains an entry for this variant (Variation ID: 646073). This variant has not been reported in the literature in individuals affected with SMARCA4-related conditions.